The following is an entry in ClinVar:

NM_001036.6(RYR3):c.12076G>A (p.Glu4026Lys)

Gene: RYR3 (ryanodine receptor 3; plus strand). Cytogenetic location: 15q14.
Variant type: single nucleotide variant.
Coding change: c.12076G>A on transcript NM_001036.6 (MANE Select); coding-DNA position 12076, G replaced by A.
Protein change: p.Glu4026Lys; replaces glutamic acid 4026 with lysine.
Molecular consequence: missense variant.
Genome position (GRCh38, 1-based): chr15:33,838,056, G>A. VCF-style: chr15-33838056-G-A. GRCh37 (hg19) VCF-style: chr15-34130257-G-A.
Other names: c.12061G>A, p.Glu4021Lys (NM_001243996.4); short protein forms E4021K, E4026K.
Identifiers: ClinVar variation 951421 (VCV000951421.10), dbSNP rs573502706, ClinGen allele CA7461350.
Genomic context (GRCh38, chr15:33,838,056, plus strand): 5'-CCAAACGATTCCCGCCTGAAGTGTCTGTTGGACCCAGCAGAAAGTGTGCTAAATTACTTC[G>A]AACCCTACCTAGGACGCATCGAGATCATGGGTGGGGCCAAGAAGATTGAGCGTGTTTATT-3'
Protein context (NP_001027.3, residues 4016-4036): DPAESVLNYF[Glu4026Lys]PYLGRIEIMG

ClinVar aggregate classification (germline): Uncertain significance (1 of 4 stars; one submission).

Conditions:
Epileptic encephalopathy. Identifiers: MedGen C0543888, HP:0200134.

Allele frequency attached by ClinVar (database versions not stated): TOPMed below 0.00001; gnomAD 0.00001; ExAC 0.00003; gnomAD exomes 0.00003; 1000 Genomes Project 30x 0.00016; 1000 Genomes Project 0.00020.
gnomAD v4.1: 13 of 1,613,928 alleles (0.00081%); highest among the groups gnomAD compares: East Asian, 0.0089%; no homozygotes.

Submission:

Labcorp Genetics (formerly Invitae), Labcorp
Classification: Uncertain significance for Epileptic encephalopathy. Last evaluated: 2019-07-25. Review status: criteria provided, single submitter. Criteria: Invitae Variant Classification Sherloc (09022015). Collection method: clinical testing. Allele origin: germline.
Comment: This variant has not been reported in the literature in individuals with RYR3-related conditions. This variant is present in population databases (rs573502706, ExAC 0.01%). This sequence change replaces glutamic acid with lysine at codon 4026 of the RYR3 protein (p.Glu4026Lys). The glutamic acid residue is highly conserved and there is a small physicochemical difference between glutamic acid and lysine. In summary, the available evidence is currently insufficient to determine the role of this variant in disease. Therefore, it has been classified as a Variant of Uncertain Significance. Algorithms developed to predict the effect of missense changes on protein structure and function are either unavailable or do not agree on the potential impact of this missense change (SIFT: "Deleterious"; PolyPhen-2: "Benign"; Align-GVGD: "Class C0").